The following is an entry in ClinVar:

ClinVar aggregate classification (germline): Likely benign (1 of 4 stars; one submission).

Allele frequency attached by ClinVar (database versions not stated): gnomAD exomes 0.00001; TOPMed 0.00001; ExAC 0.00002; gnomAD 0.00004; 1000 Genomes Project 30x 0.00016; 1000 Genomes Project 0.00020.
gnomAD v4.1: 15 of 1,613,828 alleles (0.00093%); highest among the groups gnomAD compares: Admixed American, 0.012%; no homozygotes.

Submission:

CeGaT Center for Human Genetics Tuebingen
Classification: Likely benign. Last evaluated: 2023-03-01. Review status: criteria provided, single submitter. Criteria: CeGaT Center For Human Genetics Tuebingen Variant Classification Criteria Version 2. Collection method: clinical testing. Allele origin: germline. Affected: yes. Observed: 1 variant allele.
Comment: HS1BP3: BP4

NM_022460.4(HS1BP3):c.674C>T (p.Ser225Leu)

Gene: HS1BP3 (HCLS1 binding protein 3; minus strand). Cytogenetic location: 2p24.1.
Variant type: single nucleotide variant.
Coding change: c.674C>T on transcript NM_022460.4 (MANE Select); coding-DNA position 674, C replaced by T.
Protein change: p.Ser225Leu; replaces serine 225 with leucine.
Molecular consequence: missense variant.
Genome position (GRCh38, 1-based): chr2:20,624,842, G>A on the plus strand (C>T on the coding strand, the complement: HS1BP3 is on the minus strand). VCF-style: chr2-20624842-G-A. GRCh37 (hg19) VCF-style: chr2-20824602-G-A.
Other names: short protein forms S225L.
Identifiers: ClinVar variation 2650704 (VCV002650704.24), dbSNP rs566011144, ClinGen allele CA1545736.
Genomic context (GRCh38, chr2:20,624,842, plus strand): 5'-CCCGGGCCAAAGAGCCCCTCATCAGGGTCCACCTCCTCGTCAAAGATGGTGAGCCGGGGC[G>A]AGGGCTTGGCTTTCACGGCCACTTTGGGATGTTTCTTGGGCTTCTTGGAGCTGGAGAATC-3'
Protein context (NP_071905.3, residues 215-235): HPKVAVKAKP[Ser225Leu]PRLTIFDEEV